The following is an entry in ClinVar:

NM_001145809.2(MYH14):c.4864C>T (p.Arg1622Cys)

Gene: MYH14 (myosin heavy chain 14; plus strand). Cytogenetic location: 19q13.33.
Variant type: single nucleotide variant.
Coding change: c.4864C>T on transcript NM_001145809.2 (MANE Select); coding-DNA position 4864, C replaced by T.
Protein change: p.Arg1622Cys; replaces arginine 1622 with cysteine.
Molecular consequence: missense variant.
Genome position (GRCh38, 1-based): chr19:50,289,547, C>T. VCF-style: chr19-50289547-C-T. GRCh37 (hg19) VCF-style: chr19-50792804-C-T.
Other names: c.4765C>T, p.Arg1589Cys (NM_001077186.2); c.4741C>T, p.Arg1581Cys (NM_024729.4); short protein forms R1581C, R1589C, R1622C.
Identifiers: ClinVar variation 1212520 (VCV001212520.4), dbSNP rs1331282016, ClinGen allele CA406960550.

ClinVar aggregate classification (germline): Uncertain significance (1 of 4 stars; one submission).

Allele frequency attached by ClinVar (database versions not stated): gnomAD 0.00001; gnomAD exomes below 0.00001; TOPMed 0.00002.
gnomAD v4.1: 4 of 1,612,804 alleles (0.00025%); highest among the groups gnomAD compares: East Asian, 0.0045%; no homozygotes.

Submission:

GeneDx
Classification: Uncertain significance. Last evaluated: 2025-12-11. Review status: criteria provided, single submitter. Criteria: GeneDx Variant Classification Process June 2021. Collection method: clinical testing. Allele origin: germline. Affected: yes.
Comment: In silico analysis supports that this missense variant has a deleterious effect on protein structure/function; Has not been previously published as pathogenic or benign to our knowledge; Not observed at significant frequency in large population cohorts (gnomAD)